The following is an entry in ClinVar:

ClinVar aggregate classification (germline): Uncertain significance (1 of 4 stars; one submission).

Submission:

CeGaT Center for Human Genetics Tuebingen
Classification: Uncertain significance. Last evaluated: 2025-08-01. Review status: criteria provided, single submitter. Criteria: CeGaT Center For Human Genetics Tuebingen Variant Classification Criteria Version 2. Collection method: clinical testing. Allele origin: germline. Affected: yes. Observed: 1 variant allele.
Comment: KDM5C: PM2

NM_004187.5(KDM5C):c.4154C>T (p.Thr1385Ile)

Gene: KDM5C (lysine demethylase 5C; minus strand). Cytogenetic location: Xp11.22.
Variant type: single nucleotide variant.
Coding change: c.4154C>T on transcript NM_004187.5 (MANE Select); coding-DNA position 4154, C replaced by T.
Protein change: p.Thr1385Ile; replaces threonine 1385 with isoleucine.
Molecular consequence: missense variant. On other transcripts: non-coding transcript variant (3).
Genome position (GRCh38, 1-based): chrX:53,193,600, G>A on the plus strand (C>T on the coding strand, the complement: KDM5C is on the minus strand). VCF-style: chrX-53193600-G-A. GRCh37 (hg19) VCF-style: chrX-53222782-G-A.
Other names: c.3944C>T, p.Thr1315Ile (NM_001146702.2); c.4151C>T, p.Thr1384Ile (NM_001282622.3, NM_001353979.2); c.4145C>T, p.Thr1382Ile (NM_001353978.3, NM_001353981.2, NM_001353984.2); c.4142C>T, p.Thr1381Ile (NM_001353982.2); short protein forms T1315I, T1381I, T1382I, T1384I, T1385I.
Identifiers: ClinVar variation 4083695 (VCV004083695.8).
Genomic context (GRCh38, chrX:53,193,600, plus strand): 5'-TCCATCATGAGCTCCTCCAAGGGGGCCCGGGTTGCCTCAGGCAGTTCCAACACAGGGCCA[G>A]TCAACTGTGGCAACAGCGAGGACAGCAGCTCCAGATCTAGGAGGTTGCAGGAACAAGCGG-3'
Protein context (NP_004178.2, residues 1375-1395): ELLSSLLPQL[Thr1385Ile]GPVLELPEAT